The following is an entry in ClinVar:

NM_207363.3(NCKAP5):c.1393C>T (p.His465Tyr)

Gene: NCKAP5 (NCK associated protein 5; minus strand). Cytogenetic location: 2q21.2.
Variant type: single nucleotide variant.
Coding change: c.1393C>T on transcript NM_207363.3 (MANE Select); coding-DNA position 1393, C replaced by T.
Protein change: p.His465Tyr; replaces histidine 465 with tyrosine.
Molecular consequence: missense variant. On other transcripts: intron variant (1).
Genome position (GRCh38, 1-based): chr2:132,785,418, G>A on the plus strand (C>T on the coding strand, the complement: NCKAP5 is on the minus strand). VCF-style: chr2-132785418-G-A. GRCh37 (hg19) VCF-style: chr2-133542991-G-A.
Other names: c.1092+4605C>T (NM_207481.4); short protein forms H465Y.
Identifiers: ClinVar variation 779227 (VCV000779227.23), dbSNP rs61746268, ClinGen allele CA1881263.
Genomic context (GRCh38, chr2:132,785,418, plus strand): 5'-AGGTGGAAGGGTCATCGTCCGCATCAACGTGGGAATCTAGATCATAAACAAATGTCTTGT[G>A]GGGTTCCTTGCAGGGGCTCCCCAGGTCAGCTGTTTTGCAGGGGGGATACTCCTTGAGGCT-3'
Protein context (NP_997246.2, residues 455-475): ADLGSPCKEP[His465Tyr]KTFVYDLDSH

ClinVar aggregate classification (germline): Benign/Likely benign. Review status: criteria provided, multiple submitters, no conflicts (2 of 4 stars). 3 submissions from 3 submitters: Benign (2); Likely benign (1). Last evaluated 2024-05-01.

Allele frequency attached by ClinVar (database versions not stated): 1000 Genomes Project 0.00240; 1000 Genomes Project 30x 0.00265; gnomAD 0.00492 and 0.00527; gnomAD exomes 0.00511 and 0.00737; TOPMed 0.00526; ExAC 0.00558; ESP Exome Variant Server 0.00855.
gnomAD v4.1: 11,386 of 1,613,900 alleles (0.71%); highest among the groups gnomAD compares: Non-Finnish European, 0.89%; 50 homozygotes.

Submissions (3):

CeGaT Center for Human Genetics Tuebingen
Classification: Likely benign. Last evaluated: 2024-05-01. Review status: criteria provided, single submitter. Criteria: CeGaT Center For Human Genetics Tuebingen Variant Classification Criteria Version 2. Collection method: clinical testing. Allele origin: germline. Affected: yes. Observed: 1 variant allele.
Comment: NCKAP5: BP4, BS2

Labcorp Genetics (formerly Invitae), Labcorp
Classification: Benign. Last evaluated: 2018-10-23. Review status: criteria provided, single submitter. Criteria: Invitae Variant Classification Sherloc (09022015). Collection method: clinical testing. Allele origin: germline.

Breakthrough Genomics
Classification: Benign. Review status: criteria provided, single submitter. Criteria: ACMG Guidelines, 2015. Collection method: not provided. Allele origin: germline. Inheritance: Unknown mechanism. Affected: yes.